The following is an entry in ClinVar:

NM_080669.6(SLC46A1):c.460C>T (p.Leu154Phe)

Gene: SLC46A1 (solute carrier family 46 member 1; minus strand). Cytogenetic location: 17q11.2.
Variant type: single nucleotide variant.
Coding change: c.460C>T on transcript NM_080669.6 (MANE Select); coding-DNA position 460, C replaced by T.
Protein change: p.Leu154Phe; replaces leucine 154 with phenylalanine.
Molecular consequence: missense variant.
Genome position (GRCh38, 1-based): chr17:28,405,237, G>A on the plus strand (C>T on the coding strand, the complement: SLC46A1 is on the minus strand). VCF-style: chr17-28405237-G-A. GRCh37 (hg19) VCF-style: chr17-26732255-G-A.
Other names: c.460C>T, p.Leu154Phe (NM_001242366.3); short protein forms L154F.
Identifiers: ClinVar variation 1505852 (VCV001505852.7), dbSNP rs1555590840, ClinGen allele CA398351636.

ClinVar aggregate classification (germline): Conflicting classifications of pathogenicity. Review status: criteria provided, conflicting classifications (1 of 4 stars). 2 submissions from 2 submitters: Uncertain significance (1); Likely benign (1). Last evaluated 2021-07-27.

Allele frequency attached by ClinVar (database versions not stated): gnomAD exomes below 0.00001.

Submissions (2):

Labcorp Genetics (formerly Invitae), Labcorp
Classification: Uncertain significance. Last evaluated: 2021-07-27. Review status: criteria provided, single submitter. Criteria: Invitae Variant Classification Sherloc (09022015). Collection method: clinical testing. Allele origin: germline.
Comment: This variant has not been reported in the literature in individuals with SLC46A1-related conditions. In summary, the available evidence is currently insufficient to determine the role of this variant in disease. Therefore, it has been classified as a Variant of Uncertain Significance. Experimental studies and prediction algorithms are not available or were not evaluated, and the functional significance of this variant is currently unknown. This variant is not present in population databases (ExAC no frequency). This sequence change replaces leucine with phenylalanine at codon 154 of the SLC46A1 protein (p.Leu154Phe). The leucine residue is weakly conserved and there is a small physicochemical difference between leucine and phenylalanine.

Blueprint Genetics
Classification: Likely benign. Last evaluated: 2021-05-12. Review status: criteria provided, single submitter. Criteria: ACMG Guidelines, 2015. Collection method: clinical testing. Allele origin: germline.